The following is an entry in ClinVar:

ClinVar aggregate classification (germline): Uncertain significance. Review status: criteria provided, multiple submitters, no conflicts (2 of 4 stars). 2 submissions from 2 submitters: Uncertain significance (2). Last evaluated 2026-05-28.

Conditions:
LRP2-related disorder. Also called: LRP2-related condition.

gnomAD v4.1: 7 of 1,613,606 alleles (0.00043%); highest among the groups gnomAD compares: Admixed American, 0.0017%; no homozygotes.

Submissions (2):

PreventionGenetics, part of Exact Sciences
Classification: Uncertain significance for LRP2-related condition. Last evaluated: 2026-05-28. Review status: criteria provided, single submitter. Criteria: ACMG Guidelines, 2015. Collection method: clinical testing. Allele origin: germline.
Comment: The LRP2 c.13601A>G variant is predicted to result in the amino acid substitution p.Lys4534Arg. To our knowledge, this variant has not been reported in the literature. This variant is reported in 0.00088% of alleles in individuals of European (Non-Finnish) descent in gnomAD. At this time, the clinical significance of this variant is uncertain due to the absence of conclusive functional and genetic evidence.

Blueprint Genetics
Classification: Uncertain significance. Last evaluated: 2021-07-27. Review status: criteria provided, single submitter. Criteria: ACMG Guidelines, 2015. Collection method: clinical testing. Allele origin: germline.

NM_004525.3(LRP2):c.13601A>G (p.Lys4534Arg)

Gene: LRP2 (LDL receptor related protein 2; minus strand). Cytogenetic location: 2q31.1.
Variant type: single nucleotide variant.
Coding change: c.13601A>G on transcript NM_004525.3 (MANE Select); coding-DNA position 13601, A replaced by G.
Protein change: p.Lys4534Arg; replaces lysine 4534 with arginine.
Molecular consequence: missense variant.
Genome position (GRCh38, 1-based): chr2:169,137,411, T>C on the plus strand (A>G on the coding strand, the complement: LRP2 is on the minus strand). VCF-style: chr2-169137411-T-C. GRCh37 (hg19) VCF-style: chr2-169993921-T-C.
Other names: c.13601A>G (NM_004525.2); short protein forms K4534R.
Identifiers: ClinVar variation 4957556 (VCV004957556.2).